The following is an entry in ClinVar:

ClinVar aggregate classification (germline): Likely pathogenic (1 of 4 stars; one submission).

Allele frequency attached by ClinVar (database versions not stated): TOPMed below 0.00001.

Submission:

Labcorp Genetics (formerly Invitae), Labcorp
Classification: Likely pathogenic. Last evaluated: 2023-09-20. Review status: criteria provided, single submitter. Criteria: Invitae Variant Classification Sherloc (09022015). Collection method: clinical testing. Allele origin: germline.
Comment: In summary, the currently available evidence indicates that the variant is pathogenic, but additional data are needed to prove that conclusively. Therefore, this variant has been classified as Likely Pathogenic. Algorithms developed to predict the effect of sequence changes on RNA splicing suggest that this variant may disrupt the consensus splice site. ClinVar contains an entry for this variant (Variation ID: 1516278). This variant has not been reported in the literature in individuals affected with SYT2-related conditions. This variant is not present in population databases (gnomAD no frequency). This sequence change affects a donor splice site in intron 7 of the SYT2 gene. It is expected to disrupt RNA splicing. Variants that disrupt the donor or acceptor splice site typically lead to a loss of protein function (PMID: 16199547), and loss-of-function variants in SYT2 are known to be pathogenic (PMID: 32776697).

Literature cited by the submitters: PubMed 16199547; PubMed 32776697.

NM_177402.5(SYT2):c.919+1G>A

Gene: SYT2 (synaptotagmin 2; minus strand). Cytogenetic location: 1q32.1.
Variant type: single nucleotide variant.
Coding change: c.919+1G>A on transcript NM_177402.5 (MANE Select); the canonical splice donor site of the intron after coding-DNA position 919, G replaced by A.
Molecular consequence: splice donor variant.
Genome position (GRCh38, 1-based): chr1:202,600,356, C>T on the plus strand (G>A on the coding strand, the complement: SYT2 is on the minus strand). VCF-style: chr1-202600356-C-T. GRCh37 (hg19) VCF-style: chr1-202569484-C-T.
Other names: c.919+1G>A (NM_001136504.1).
Identifiers: ClinVar variation 1516278 (VCV001516278.6), dbSNP rs1690455297, ClinGen allele CA344256720.